The following is an entry in ClinVar:

ClinVar aggregate classification (germline): Likely benign (1 of 4 stars; one submission).

gnomAD v4.1: 200 of 1,610,378 alleles (0.012%); highest among the groups gnomAD compares: Non-Finnish European, 0.016%; no homozygotes.

Submission:

CeGaT Center for Human Genetics Tuebingen
Classification: Likely benign. Last evaluated: 2026-04-01. Review status: criteria provided, single submitter. Criteria: CeGaT Center For Human Genetics Tuebingen Variant Classification Criteria Version 2. Collection method: clinical testing. Allele origin: germline. Affected: yes. Observed: 1 variant allele.
Comment: SNAPC4: BP4, BP7

NM_003086.4(SNAPC4):c.4077G>C (p.Pro1359=)

Gene: SNAPC4 (small nuclear RNA activating complex polypeptide 4; minus strand). Cytogenetic location: 9q34.3.
Variant type: single nucleotide variant.
Coding change: c.4077G>C on transcript NM_003086.4 (MANE Select); coding-DNA position 4077, G replaced by C.
Protein change: p.Pro1359=; no amino-acid change (proline 1359 retained).
Molecular consequence: synonymous variant.
Genome position (GRCh38, 1-based): chr9:136,377,750, C>G on the plus strand (G>C on the coding strand, the complement: SNAPC4 is on the minus strand). VCF-style: chr9-136377750-C-G. GRCh37 (hg19) VCF-style: chr9-139272202-C-G.
Other names: c.4077G>C, p.Pro1359= (NM_001394201.1); c.3993G>C, p.Pro1331= (NM_001394202.1, NM_001394203.1).
Identifiers: ClinVar variation 4873675 (VCV004873675.2).
Genomic context (GRCh38, chr9:136,377,750, plus strand): 5'-GGCCAGGAGCGCAGGGAGGGTGAAGGCTGCCAGGAACCGCGCCCGCAACAGGAGGTAGGC[C>G]GGGTTGTCCTGGAGCTGCCCCCGCACCAGCCCCAGTGAGGCTTGCAGTGCTCCGGCCGGC-3'
Protein context (NP_003077.2, residues 1349-1369): GLVRGQLQDN[Pro1359=]AYLLLRARFL